The following is an entry in ClinVar:

ClinVar aggregate classification (germline): Conflicting classifications of pathogenicity. Review status: criteria provided, conflicting classifications (1 of 4 stars). 2 submissions from 2 submitters: Likely pathogenic (1); Uncertain significance (1). Last evaluated 2026-07-29.

Conditions:
Hereditary cancer-predisposing syndrome. Also called: Hereditary Cancer Syndrome; Neoplastic Syndromes, Hereditary; Hereditary neoplastic syndrome; Tumor predisposition. Identifiers: Orphanet 140162, MedGen C0027672, MeSH D009386, MONDO:0015356.

Submissions (2):

Ambry Genetics
Classification: Likely pathogenic for Hereditary cancer-predisposing syndrome. Last evaluated: 2026-07-29. Review status: criteria provided, single submitter. Criteria: Ambry Variant Classification Scheme 2023. Collection method: clinical testing. Allele origin: germline.
Comment: The p.M388R variant (also known as c.1163T>G), located in coding exon 8 of the FH gene, results from a T to G substitution at nucleotide position 1163. The methionine at codon 388 is replaced by arginine, an amino acid with similar properties. This variant was reported in individual(s) with features consistent with FH-related tumor predisposition (Ambry internal data). This variant is considered to be rare based on population cohorts in the Genome Aggregation Database (gnomAD). This amino acid position is highly conserved in available vertebrate species. In addition, this alteration is predicted to be deleterious by in silico analysis. Based on the majority of available evidence to date, this variant is likely to be pathogenic.

Labcorp Genetics (formerly Invitae), Labcorp
Classification: Uncertain significance. Last evaluated: 2022-02-24. Review status: criteria provided, single submitter. Criteria: Invitae Variant Classification Sherloc (09022015). Collection method: clinical testing. Allele origin: germline.
Comment: In summary, the available evidence is currently insufficient to determine the role of this variant in disease. Therefore, it has been classified as a Variant of Uncertain Significance. This sequence change replaces methionine, which is neutral and non-polar, with arginine, which is basic and polar, at codon 388 of the FH protein (p.Met388Arg). This variant is not present in population databases (gnomAD no frequency). This variant has not been reported in the literature in individuals affected with FH-related conditions. Advanced modeling of protein sequence and biophysical properties (such as structural, functional, and spatial information, amino acid conservation, physicochemical variation, residue mobility, and thermodynamic stability) performed at Invitae indicates that this missense variant is expected to disrupt FH protein function.

NM_000143.4(FH):c.1163T>G (p.Met388Arg)

Gene: FH (fumarate hydratase; minus strand). Cytogenetic location: 1q43.
Variant type: single nucleotide variant.
Coding change: c.1163T>G on transcript NM_000143.4 (MANE Select); coding-DNA position 1163, T replaced by G.
Protein change: p.Met388Arg; replaces methionine 388 with arginine.
Molecular consequence: missense variant.
Genome position (GRCh38, 1-based): chr1:241,502,516, A>C on the plus strand (T>G on the coding strand, the complement: FH is on the minus strand). VCF-style: chr1-241502516-A-C. GRCh37 (hg19) VCF-style: chr1-241665816-A-C.
Other names: c.1163T>G (NM_000143.3); short protein forms M388R.
Identifiers: ClinVar variation 1358298 (VCV001358298.7), dbSNP rs876660830, ClinGen allele CA345437468.